The following is an entry in ClinVar:

NM_032578.4(MYPN):c.1178T>C (p.Val393Ala)

Gene: MYPN (myopalladin; plus strand). Cytogenetic location: 10q21.3.
Variant type: single nucleotide variant.
Coding change: c.1178T>C on transcript NM_032578.4 (MANE Select); coding-DNA position 1178, T replaced by C.
Protein change: p.Val393Ala; replaces valine 393 with alanine.
Molecular consequence: missense variant. On other transcripts: non-coding transcript variant (2).
Genome position (GRCh38, 1-based): chr10:68,148,400, T>C. VCF-style: chr10-68148400-T-C. GRCh37 (hg19) VCF-style: chr10-69908157-T-C.
Other names: p.V393A:GTC>GCC; c.1178T>C, p.Val393Ala (NM_001256267.2); c.296T>C, p.Val99Ala (NM_001256268.2); short protein forms V393A, V99A.
Identifiers: ClinVar variation 31793 (VCV000031793.22), dbSNP rs11596653, ClinGen allele CA200014.

ClinVar aggregate classification (germline): Benign. Review status: criteria provided, multiple submitters, no conflicts (2 of 4 stars). 9 submissions from 9 submitters: Benign (8). 1 of the submissions does not count toward it. Last evaluated 2026-02-03.

Conditions:
Cardiovascular phenotype. Identifiers: MedGen CN230736.
Dilated cardiomyopathy 1KK (CMD1KK). Identifiers: Orphanet 154, Orphanet 75249, MedGen C3714995, MONDO:0014100, OMIM 615248.

Allele frequency attached by ClinVar (database versions not stated): gnomAD 0.10483 and 0.11086; TOPMed 0.11140; 1000 Genomes Project 0.12061; ESP Exome Variant Server 0.12225; 1000 Genomes Project 30x 0.12695; gnomAD exomes 0.03897; ExAC 0.04524.
gnomAD v4.1: 50,927 of 1,613,918 alleles (3.2%); highest among the groups gnomAD compares: African/African-American, 33%; 4,645 homozygotes.

Submissions (9):

Labcorp Genetics (formerly Invitae), Labcorp
Classification: Benign for Dilated cardiomyopathy 1KK. Last evaluated: 2026-02-03. Review status: criteria provided, single submitter. Criteria: Invitae Variant Classification Sherloc (09022015). Collection method: clinical testing. Allele origin: germline.

Mayo Clinic Laboratories, Mayo Clinic
Classification: Benign. Last evaluated: 2022-03-24. Review status: criteria provided, single submitter. Criteria: ACMG Guidelines, 2015. Collection method: clinical testing. Allele origin: germline. Observed: 163 variant alleles.

Molecular Diagnostic Laboratory for Inherited Cardiovascular Disease, Montreal Heart Institute
Classification: Benign. Last evaluated: 2016-05-13. Review status: criteria provided, single submitter. Criteria: ACMG Guidelines, 2015. Collection method: clinical testing. Allele origin: germline. Affected: yes.

Ambry Genetics
Classification: Benign for Cardiovascular phenotype. Last evaluated: 2015-06-19. Review status: criteria provided, single submitter. Criteria: Ambry Variant Classification Scheme 2023. Collection method: clinical testing. Allele origin: germline.

Laboratory for Molecular Medicine, Mass General Brigham Personalized Medicine
Classification: Benign. Last evaluated: 2015-01-13. Review status: criteria provided, single submitter. Criteria: LMM Criteria. Collection method: clinical testing. Allele origin: germline. Observed: 66 variant alleles.
Comment: p.Val393Ala in exon 6 of MYPN: This variant is not expected to have clinical sig nificance because it has been identified in 33.2% (1464/4406) of African America n chromosomes from a broad population by the NHLBI Exome Sequencing Project (dbSNP rs11596653).

GeneDx
Classification: Benign. Last evaluated: 2013-12-10. Review status: criteria provided, single submitter. Criteria: GeneDx Variant Classification (06012015). Collection method: clinical testing. Allele origin: germline. Affected: yes.
Comment: This variant is considered likely benign or benign based on one or more of the following criteria: it is a conservative change, it occurs at a poorly conserved position in the protein, it is predicted to be benign by multiple in silico algorithms, and/or has population frequency not consistent with disease.

Biesecker Lab/Clinical Genomics Section, National Institutes of Health
Classification: Benign. Last evaluated: 2013-06-24. Review status: criteria provided, single submitter. Criteria: Ng et al. (Circ Cardiovasc Genet. 2013). Collection method: research. Allele origin: unknown. Observed: 43 variant alleles. Study: ClinSeq.
Comment: The study set was not selected for affection status in relation to any cancer. Pathogenicity categories were based on literature curation. See Pubmed ID:23861362 for details.

Medical sequencing

Breakthrough Genomics
Classification: Benign. Review status: criteria provided, single submitter. Criteria: ACMG Guidelines, 2015. Collection method: not provided. Allele origin: germline. Inheritance: Autosomal recessive inheritance. Affected: yes.

Leiden Muscular Dystrophy (MYPN)
No classification provided. Last evaluated: 2012-04-27. Review status: no classification provided. Collection method: curation. Allele origin: germline. Not counted in ClinVar's aggregate classification.